The following is an entry in ClinVar:

ClinVar aggregate classification (germline): Uncertain significance. Review status: criteria provided, multiple submitters, no conflicts (2 of 4 stars). 2 submissions from 2 submitters: Uncertain significance (2). Last evaluated 2024-04-25.

Conditions:
Atypical hemolytic-uremic syndrome with I factor anomaly. Also called: HEMOLYTIC UREMIC SYNDROME, ATYPICAL, SUSCEPTIBILITY TO, 3; AHUS, SUSCEPTIBILITY TO, 3. Identifiers: Orphanet 2134, MedGen C2752039, MONDO:0013041, OMIM 612923.
Age related macular degeneration 13. Identifiers: MedGen C3809523, MONDO:0014189, OMIM 615439.
Factor I deficiency (CFID). Also called: Complement factor I deficiency. Identifiers: Orphanet 200418, MedGen C3463916, MONDO:0012594, OMIM 610984.

Allele frequency attached by ClinVar (database versions not stated): gnomAD 0.00001; TOPMed 0.00001.
gnomAD v4.1: 1 of 1,614,054 alleles (0.000062%); highest among the groups gnomAD compares: African/African-American, 0.0013%; no homozygotes.

Submissions (2):

Labcorp Genetics (formerly Invitae), Labcorp
Classification: Uncertain significance. Last evaluated: 2024-04-25. Review status: criteria provided, single submitter. Criteria: Invitae Variant Classification Sherloc (09022015). Collection method: clinical testing. Allele origin: germline.
Comment: This sequence change replaces proline, which is neutral and non-polar, with arginine, which is basic and polar, at codon 451 of the CFI protein (p.Pro451Arg). This variant is not present in population databases (gnomAD no frequency). This variant has not been reported in the literature in individuals affected with CFI-related conditions. Advanced modeling of protein sequence and biophysical properties (such as structural, functional, and spatial information, amino acid conservation, physicochemical variation, residue mobility, and thermodynamic stability) performed at Invitae indicates that this missense variant is expected to disrupt CFI protein function with a positive predictive value of 80%. In summary, the available evidence is currently insufficient to determine the role of this variant in disease. Therefore, it has been classified as a Variant of Uncertain Significance.

Fulgent Genetics
Classification: Uncertain significance for Factor I deficiency; Atypical hemolytic-uremic syndrome with I factor anomaly; Age related macular degeneration 13. Last evaluated: 2024-02-19. Review status: criteria provided, single submitter. Criteria: ACMG Guidelines, 2015. Collection method: clinical testing. Allele origin: germline.

NM_000204.5(CFI):c.1352C>G (p.Pro451Arg)

Gene: CFI (complement factor I; minus strand). Cytogenetic location: 4q25.
Variant type: single nucleotide variant.
Coding change: c.1352C>G on transcript NM_000204.5 (MANE Select); coding-DNA position 1352, C replaced by G.
Protein change: p.Pro451Arg; replaces proline 451 with arginine.
Molecular consequence: missense variant. On other transcripts: non-coding transcript variant (2).
Genome position (GRCh38, 1-based): chr4:109,746,299, G>C on the plus strand (C>G on the coding strand, the complement: CFI is on the minus strand). VCF-style: chr4-109746299-G-C. GRCh37 (hg19) VCF-style: chr4-110667455-G-C.
Other names: c.1376C>G, p.Pro459Arg (NM_001318057.2, NM_001375278.1); c.1331C>G, p.Pro444Arg (NM_001331035.2, NM_001375280.1, NM_001375282.1); c.1352C>G, p.Pro451Arg (NM_001375279.1, NM_001375281.1); c.1295C>G, p.Pro432Arg (NM_001375283.1); c.743C>G, p.Pro248Arg (NM_001375284.1); short protein forms P248R, P451R, P444R, P432R, P459R.
Identifiers: ClinVar variation 2833866 (VCV002833866.4), dbSNP rs1023416359, ClinGen allele CA103689342.
Genomic context (GRCh38, chr4:109,746,299, plus strand): 5'-CCAGAAACGATGCATGTATCATTAGGTTGGAATAGGTAAGGAGACCAGGGGACACAGGCA[G>C]GGATGGAACGAGGCAGCTCACAATCTTTTTTGTTTCCGTCTTTTTTCATTTCAATCAAAG-3'
Protein context (NP_000195.3, residues 441-461): KKDCELPRSI[Pro451Arg]ACVPWSPYLF